The following is an entry in ClinVar:

NM_032043.3(BRIP1):c.3382G>T (p.Glu1128Ter)

Gene: BRIP1 (BRCA1 interacting DNA helicase 1; minus strand). Cytogenetic location: 17q23.2.
Variant type: single nucleotide variant.
Coding change: c.3382G>T on transcript NM_032043.3 (MANE Select); coding-DNA position 3382, G replaced by T.
Protein change: p.Glu1128Ter; replaces glutamic acid 1128 with a stop codon.
Molecular consequence: nonsense.
Genome position (GRCh38, 1-based): chr17:61,683,664, C>A on the plus strand (G>T on the coding strand, the complement: BRIP1 is on the minus strand). VCF-style: chr17-61683664-C-A. GRCh37 (hg19) VCF-style: chr17-59761025-C-A.
Other names: short protein forms E1128*.
Identifiers: ClinVar variation 4791242 (VCV004791242.2).

ClinVar aggregate classification (germline): Uncertain significance. Review status: criteria provided, multiple submitters, no conflicts (2 of 4 stars). 2 submissions from 2 submitters: Uncertain significance (2). Last evaluated 2026-01-28.

Conditions:
Fanconi anemia complementation group J. Also called: BRIP1-Related Fanconi Anemia. Identifiers: Orphanet 84, MedGen C1836860, MONDO:0012187, OMIM 609054.
Familial cancer of breast. Also called: Hereditary breast cancer; hereditary breast carcinoma; BREAST CANCER, FAMILIAL. Identifiers: Orphanet 227535, MedGen C0346153, MONDO:0016419, OMIM 114480. Disease mechanism: loss of function.
Hereditary cancer-predisposing syndrome. Also called: Neoplastic Syndromes, Hereditary; Hereditary neoplastic syndrome; Tumor predisposition; Hereditary Cancer Syndrome. Identifiers: Orphanet 140162, MedGen C0027672, MeSH D009386, MONDO:0015356.

Submissions (2):

Ambry Genetics
Classification: Uncertain significance for Hereditary cancer-predisposing syndrome. Last evaluated: 2026-01-28. Review status: criteria provided, single submitter. Criteria: Ambry Variant Classification Scheme 2023. Collection method: clinical testing. Allele origin: germline.
Comment: The p.E1128* variant (also known as c.3382G>T), located in coding exon 19 of the BRIP1 gene, results from a G to T substitution at nucleotide position 3382. This changes the amino acid from a glutamic acid to a stop codon within coding exon 19. This variant occurs at the 3' terminus of the gene, is not expected to trigger nonsense-mediated mRNAdecay, and impacts the last 9.8% of the protein. The exact functional effect of this variant is unknown. Based on the available evidence, the clinical significance of this variant remains unclear.

Labcorp Genetics (formerly Invitae), Labcorp
Classification: Uncertain significance for Familial cancer of breast; Fanconi anemia complementation group J. Last evaluated: 2025-11-17. Review status: criteria provided, single submitter. Criteria: Invitae Variant Classification Sherloc (09022015). Collection method: clinical testing. Allele origin: germline.
Comment: This sequence change creates a premature translational stop signal (p.Glu1128*) in the BRIP1 gene. While this is not anticipated to result in nonsense mediated decay, it is expected to disrupt the last 122 amino acid(s) of the BRIP1 protein. This variant is not present in population databases (gnomAD no frequency). This variant has not been reported in the literature in individuals affected with BRIP1-related conditions. In summary, the available evidence is currently insufficient to determine the role of this variant in disease. Therefore, it has been classified as a Variant of Uncertain Significance.